The following is an entry in ClinVar:

ClinVar aggregate classification (germline): Uncertain significance (1 of 4 stars; one submission).

Conditions:
Joubert syndrome. Also called: CEREBELLOPARENCHYMAL DISORDER IV; JOUBERT-BOLTSHAUSER SYNDROME; Familial aplasia of the vermis. Identifiers: Orphanet 475, MedGen C5979921, MONDO:0018772.
Meckel-Gruber syndrome. Also called: DYSENCEPHALIA SPLANCHNOCYSTICA; GRUBER SYNDROME; Dysencephalia splachnocystica. Identifiers: Orphanet 564, MedGen C0265215, MONDO:0018921.

Submission:

Labcorp Genetics (formerly Invitae), Labcorp
Classification: Uncertain significance for Joubert syndrome; Meckel-Gruber syndrome. Last evaluated: 2023-11-27. Review status: criteria provided, single submitter. Criteria: Invitae Variant Classification Sherloc (09022015). Collection method: clinical testing. Allele origin: germline.
Comment: This sequence change replaces asparagine, which is neutral and polar, with threonine, which is neutral and polar, at codon 23 of the MKS1 protein (p.Asn23Thr). This variant is not present in population databases (gnomAD no frequency). This variant has not been reported in the literature in individuals affected with MKS1-related conditions. ClinVar contains an entry for this variant (Variation ID: 2112181). Advanced modeling of protein sequence and biophysical properties (such as structural, functional, and spatial information, amino acid conservation, physicochemical variation, residue mobility, and thermodynamic stability) performed at Invitae indicates that this missense variant is expected to disrupt MKS1 protein function with a positive predictive value of 80%. In summary, the available evidence is currently insufficient to determine the role of this variant in disease. Therefore, it has been classified as a Variant of Uncertain Significance.

NM_017777.4(MKS1):c.68A>C (p.Asn23Thr)

Genes: MKS1 (MKS transition zone complex subunit 1; minus strand), LOC130061271 (ATAC-STARR-seq lymphoblastoid active region 12461; plus strand). Cytogenetic location: 17q22.
Variant type: single nucleotide variant.
Coding change: c.68A>C on transcript NM_017777.4 (MANE Select); coding-DNA position 68, A replaced by C.
Protein change: p.Asn23Thr; replaces asparagine 23 with threonine.
Molecular consequence: missense variant. On other transcripts: 5 prime UTR variant (1).
Genome position (GRCh38, 1-based): chr17:58,219,163, T>G on the plus strand (A>C on the coding strand, the complement: MKS1 is on the minus strand). VCF-style: chr17-58219163-T-G. GRCh37 (hg19) VCF-style: chr17-56296524-T-G.
Other names: c.-444A>C (NM_001321268.2); c.68A>C, p.Asn23Thr (NM_001321269.2, NM_001330397.2, NM_001411113.1); short protein forms N23T.
Identifiers: ClinVar variation 2112181 (VCV002112181.4), dbSNP rs2509469213, ClinGen allele CA400328125.